The following is an entry in ClinVar:

ClinVar aggregate classification (germline): Uncertain significance. Review status: criteria provided, multiple submitters, no conflicts (2 of 4 stars). 2 submissions from 2 submitters: Uncertain significance (2). Last evaluated 2024-10-11.

Conditions:
TBX3-related disorder. Also called: TBX3-related condition.
Ulnar-mammary syndrome (UMS). Also called: SCHINZEL SYNDROME; PALLISTER ULNAR-MAMMARY SYNDROME; Ulnar-mammary syndrome of Pallister. Identifiers: Orphanet 3138, MedGen C1866994, MONDO:0008411, OMIM 181450.

Allele frequency attached by ClinVar (database versions not stated): gnomAD 0.00001; TOPMed 0.00001; ESP Exome Variant Server 0.00008.
gnomAD v4.1: 2 of 1,607,558 alleles (0.00012%); highest among the groups gnomAD compares: African/African-American, 0.0027%; no homozygotes.

Submissions (2):

PreventionGenetics, part of Exact Sciences
Classification: Uncertain significance for TBX3-related condition. Last evaluated: 2024-10-11. Review status: criteria provided, single submitter. Criteria: ACMG Guidelines, 2015. Collection method: clinical testing. Allele origin: germline.
Comment: The TBX3 c.1264C>T variant is predicted to result in the amino acid substitution p.Pro422Ser. To our knowledge, this variant has not been reported in the literature. This variant is reported in 0.0% of alleles in individuals of African descent in gnomAD. At this time, the clinical significance of this variant is uncertain due to the absence of conclusive functional and genetic evidence.

Labcorp Genetics (formerly Invitae), Labcorp
Classification: Uncertain significance for Ulnar-mammary syndrome. Last evaluated: 2022-08-22. Review status: criteria provided, single submitter. Criteria: Invitae Variant Classification Sherloc (09022015). Collection method: clinical testing. Allele origin: germline.
Comment: In summary, the available evidence is currently insufficient to determine the role of this variant in disease. Therefore, it has been classified as a Variant of Uncertain Significance. This sequence change replaces proline, which is neutral and non-polar, with serine, which is neutral and polar, at codon 402 of the TBX3 protein (p.Pro402Ser). This variant is not present in population databases (gnomAD no frequency). This variant has not been reported in the literature in individuals affected with TBX3-related conditions. Algorithms developed to predict the effect of missense changes on protein structure and function output the following: SIFT: "Tolerated"; PolyPhen-2: "Benign"; Align-GVGD: "Class C0". The serine amino acid residue is found in multiple mammalian species, which suggests that this missense change does not adversely affect protein function.

NM_005996.4(TBX3):c.1204C>T (p.Pro402Ser)

Gene: TBX3 (T-box transcription factor 3; minus strand). Cytogenetic location: 12q24.21.
Variant type: single nucleotide variant.
Coding change: c.1204C>T on transcript NM_005996.4 (MANE Select); coding-DNA position 1204, C replaced by T.
Protein change: p.Pro402Ser; replaces proline 402 with serine.
Molecular consequence: missense variant.
Genome position (GRCh38, 1-based): chr12:114,674,671, G>A on the plus strand (C>T on the coding strand, the complement: TBX3 is on the minus strand). VCF-style: chr12-114674671-G-A. GRCh37 (hg19) VCF-style: chr12-115112476-G-A.
Other names: c.1264C>T, p.Pro422Ser (NM_016569.4); c.1264C>T (NM_016569.3); short protein forms P402S, P422S.
Identifiers: ClinVar variation 1715242 (VCV001715242.6), dbSNP rs376074487, ClinGen allele CA6809970.
Genomic context (GRCh38, chr12:114,674,671, plus strand): 5'-TGGTGGCGGGGCTATGGCGTGAGTCGGGCGACGCTTTGTCCAGCCGCCCGCTGTCCCGGG[G>A]CCGCTCAGCAGCGAAAAGGTGAGCCTTGACCGCGGGGCTGCCCTTGTCACGGCAGGGCTC-3'
Protein context (NP_005987.3, residues 392-412): VKAHLFAAER[Pro402Ser]RDSGRLDKAS